The following is an entry in ClinVar:

ClinVar aggregate classification (germline): Pathogenic (1 of 4 stars; one submission).

Conditions:
Developmental and epileptic encephalopathy, 2 (DEE2). Also called: CDKL5 deficiency disorder; INFANTILE SPASM SYNDROME, X-LINKED 2. Identifiers: Orphanet 1934, Orphanet 3451, Orphanet 505652, MedGen C4750718, MONDO:0010396, OMIM 300672.
Angelman syndrome-like. Identifiers: MedGen CN128785.

Submission:

Labcorp Genetics (formerly Invitae), Labcorp
Classification: Pathogenic for Developmental and epileptic encephalopathy, 2; Angelman syndrome-like. Last evaluated: 2024-05-11. Review status: criteria provided, single submitter. Criteria: Invitae Variant Classification Sherloc (09022015). Collection method: clinical testing. Allele origin: germline.
Comment: This sequence change creates a premature translational stop signal (p.Trp759*) in the CDKL5 gene. It is expected to result in an absent or disrupted protein product. Loss-of-function variants in CDKL5 are known to be pathogenic (PMID: 22872100). This variant is not present in population databases (gnomAD no frequency). This premature translational stop signal has been observed in individual(s) with clinical features of CDKL5-related conditions (PMID: 29264392, 34490615). Algorithms developed to predict the effect of sequence changes on RNA splicing suggest that this variant may disrupt the consensus splice site. For these reasons, this variant has been classified as Pathogenic.

Literature cited by the submitters: PubMed 22872100; PubMed 29264392; PubMed 34490615.

NC_000023.11:g.18619867del

Gene: CDKL5 (cyclin dependent kinase like 5; plus strand). Cytogenetic location: Xp22.13.
Variant type: Deletion.
Genome position: GRCh38 VCF-style: chrX-18619865-AG-A. GRCh37 (hg19) VCF-style: chrX-18637985-AG-A.
Identifiers: ClinVar variation 3756301 (VCV003756301.2).